The following is an entry in ClinVar:

NM_001283009.2(RTEL1):c.418T>G (p.Ser140Ala)

Genes: RTEL1 (regulator of telomere elongation helicase 1; plus strand), RTEL1-TNFRSF6B (RTEL1-TNFRSF6B readthrough (NMD candidate); plus strand). Cytogenetic location: 20q13.33.
Variant type: single nucleotide variant.
Coding change: c.418T>G on transcript NM_001283009.2 (MANE Select); coding-DNA position 418, T replaced by G.
Protein change: p.Ser140Ala; replaces serine 140 with alanine.
Molecular consequence: missense variant. On other transcripts: non-coding transcript variant (1), 5 prime UTR variant (1).
Genome position (GRCh38, 1-based): chr20:63,662,568, T>G. VCF-style: chr20-63662568-T-G. GRCh37 (hg19) VCF-style: chr20-62293921-T-G.
Other names: c.-252T>G (NM_001283010.1); c.418T>G, p.Ser140Ala (NM_016434.4); c.490T>G, p.Ser164Ala (NM_032957.5); short protein forms S140A, S164A.
Identifiers: ClinVar variation 4060950 (VCV004060950.2).
Genomic context (GRCh38, chr20:63,662,568, plus strand): 5'-ACAGCTCCTCCTCGACCCACGGTGCTCTCTCCCACCAGGCCTAAGGTGTGTGTGCTGGGC[T>G]CCCGGGAGCAGCTGTGCATCCATCCTGAGGTGAAGAAACAAGAGAGTAACCATCTACAGG-3'
Protein context (NP_001269938.1, residues 130-150): SYRPKVCVLG[Ser140Ala]REQLCIHPEV

ClinVar aggregate classification (germline): Uncertain significance. Review status: criteria provided, single submitter (1 of 4 stars). 2 submissions from 2 submitters: Uncertain significance (1). 1 of the submissions does not count toward it. Last evaluated 2026-01-25.

Conditions:
Dyskeratosis congenita. Identifiers: Orphanet 1775, MedGen C0265965, MONDO:0015780.
Inborn genetic diseases. Identifiers: MedGen C0950123, MeSH D030342.

gnomAD v4.1: 1 of 1,613,966 alleles (0.000062%); highest among the groups gnomAD compares: Non-Finnish European, 0.000085%; no homozygotes.

Submissions (2):

Ambry Genetics
Classification: Uncertain significance for Inborn genetic diseases. Last evaluated: 2026-01-25. Review status: criteria provided, single submitter. Criteria: Ambry Variant Classification Scheme 2023. Collection method: clinical testing. Allele origin: germline.
Comment: The p.S140A variant (also known as c.418T>G), located in coding exon 4 of the RTEL1 gene, results from a T to G substitution at nucleotide position 418. The serine at codon 140 is replaced by alanine, an amino acid with similar properties. This amino acid position is conserved. In addition, the in silico prediction for this alteration is inconclusive. Based on the available evidence, the clinical significance of this variant remains unclear.

Natera, Inc.
Classification: Uncertain significance for Dyskeratosis congenita. Last evaluated: 2025-02-24. Review status: no assertion criteria provided. Collection method: clinical testing. Allele origin: germline. Not counted in ClinVar's aggregate classification.